The following is an entry in ClinVar:

ClinVar aggregate classification (germline): Benign/Likely benign. Review status: criteria provided, multiple submitters, no conflicts (2 of 4 stars). 9 submissions from 9 submitters: Benign (5); Likely benign (3). 1 of the submissions does not count toward it. Last evaluated 2026-02-05.

Conditions:
SLC6A8-related disorder. Also called: SLC6A8-related condition.
Creatine deficiency syndrome 1.
Inborn genetic diseases. Identifiers: MedGen C0950123, MeSH D030342.
Creatine transporter deficiency (CCDS1). Also called: SLC6A8-Related Creatine Transporter Deficiency; CREATINE TRANSPORTER DEFECT; CEREBRAL CREATINE DEFICIENCY SYNDROME 1; Mental retardation , X-linked with seizures, short stature and midface hypoplasia; Mental retardation , X-linked, with creatine transport deficiency; X-linked creatine transporter deficiency. Identifiers: Orphanet 52503, MedGen C1845862, MONDO:0010305, OMIM 300352.

Allele frequency attached by ClinVar (database versions not stated): gnomAD 0.00050 and 0.00038; TOPMed 0.00054; ExAC 0.00102; gnomAD exomes 0.00104 and 0.00043; 1000 Genomes Project 0.00238; 1000 Genomes Project 30x 0.00250.
gnomAD v4.1: 526 of 1,204,764 alleles (0.044%); highest among the groups gnomAD compares: East Asian, 1.1%; 1 homozygote.

Submissions (9):

PreventionGenetics, part of Exact Sciences
Classification: Likely benign for SLC6A8-related condition. Last evaluated: 2026-02-05. Review status: criteria provided, single submitter. Criteria: ACMG Guidelines, 2015. Collection method: clinical testing. Allele origin: germline.
Comment: This variant is classified as likely benign based on ACMG/AMP sequence variant interpretation guidelines (Richards et al. 2015 PMID: 25741868, with internal and published modifications).

Labcorp Genetics (formerly Invitae), Labcorp
Classification: Benign for Creatine transporter deficiency. Last evaluated: 2026-02-01. Review status: criteria provided, single submitter. Criteria: Invitae Variant Classification Sherloc (09022015). Collection method: clinical testing. Allele origin: germline.

Blueprint Genetics
Classification: Likely benign. Last evaluated: 2024-11-27. Review status: criteria provided, single submitter. Criteria: ACMG Guidelines, 2015. Collection method: clinical testing. Allele origin: germline.

Athena Diagnostics
Classification: Benign. Last evaluated: 2024-04-10. Review status: criteria provided, single submitter. Criteria: Athena Diagnostics Criteria. Collection method: clinical testing. Allele origin: unknown.

Fulgent Genetics
Classification: Likely benign for Creatine transporter deficiency. Last evaluated: 2021-08-04. Review status: criteria provided, single submitter. Criteria: ACMG Guidelines, 2015. Collection method: clinical testing. Allele origin: unknown.

Ambry Genetics
Classification: Benign for Inborn genetic diseases. Last evaluated: 2018-09-20. Review status: criteria provided, single submitter. Criteria: Ambry Variant Classification Scheme 2023. Collection method: clinical testing. Allele origin: germline.

GeneDx
Classification: Benign. Last evaluated: 2017-07-10. Review status: criteria provided, single submitter. Criteria: GeneDx Variant Classification (06012015). Collection method: clinical testing. Allele origin: germline. Affected: yes.
Comment: This variant is considered likely benign or benign based on one or more of the following criteria: it is a conservative change, it occurs at a poorly conserved position in the protein, it is predicted to be benign by multiple in silico algorithms, and/or has population frequency not consistent with disease.

Center for Pediatric Genomic Medicine, Children's Mercy Hospital and Clinics
Classification: Benign. Last evaluated: 2016-09-20. Review status: criteria provided, single submitter. Criteria: ACMG Guidelines, 2015. Collection method: clinical testing. Allele origin: germline.

Natera, Inc.
Classification: Benign for Creatine deficiency syndrome 1. Last evaluated: 2019-12-24. Review status: no assertion criteria provided. Collection method: clinical testing. Allele origin: germline. Not counted in ClinVar's aggregate classification.

NM_005629.4(SLC6A8):c.1496-8C>T

Gene: SLC6A8 (solute carrier family 6 member 8; plus strand). Cytogenetic location: Xq28.
Variant type: single nucleotide variant.
Coding change: c.1496-8C>T on transcript NM_005629.4 (MANE Select); 8 bases into the intron before coding-DNA position 1496, C replaced by T.
Molecular consequence: intron variant.
Genome position (GRCh38, 1-based): chrX:153,694,525, C>T. VCF-style: chrX-153694525-C-T. GRCh37 (hg19) VCF-style: chrX-152959980-C-T.
Other names: c.1466-8C>T (NM_001142805.2); c.1151-8C>T (NM_001142806.1).
Identifiers: ClinVar variation 235549 (VCV000235549.21), dbSNP rs376038235, ClinGen allele CA10549546.
Genomic context (GRCh38, chrX:153,694,525, plus strand): 5'-CTGGGCTGGGGGATGGTGGCGGGGAAGGCAGGTCTCCAGCTTGGCCCTCCCGCCTCACCT[C>T]GCCGCAGGAGCTGACCGCTTCATGGACGACATTGCCTGTATGATCGGGTACCGACCTTGC-3'